The following is an entry in ClinVar:

ClinVar aggregate classification (germline): Uncertain significance (1 of 4 stars; one submission).

Conditions:
3-methylglutaconic aciduria, type VIIB (MGCA7B). Also called: 3-methylglutaconic aciduria with cataracts, neurologic involvement and neutropenia; 3-methylglutaconic aciduria, type VII, with cataracts, neurologic involvement and neutropenia; CLPB Deficiency. Identifiers: Orphanet 445038, MedGen C5676893, MONDO:0014561, OMIM 616271.

Allele frequency attached by ClinVar (database versions not stated): gnomAD exomes below 0.00001; gnomAD 0.00001; TOPMed 0.00001; ExAC 0.00002; ESP Exome Variant Server 0.00015.
gnomAD v4.1: 3 of 1,613,710 alleles (0.00019%); highest among the groups gnomAD compares: South Asian, 0.0011%; no homozygotes.

Submission:

Labcorp Genetics (formerly Invitae), Labcorp
Classification: Uncertain significance for 3-methylglutaconic aciduria, type VIIB. Last evaluated: 2023-12-10. Review status: criteria provided, single submitter. Criteria: Invitae Variant Classification Sherloc (09022015). Collection method: clinical testing. Allele origin: germline.
Comment: This sequence change falls in intron 15 of the CLPB gene. It does not directly change the encoded amino acid sequence of the CLPB protein. It affects a nucleotide within the consensus splice site. This variant is present in population databases (rs374279497, gnomAD 0.003%). This variant has not been reported in the literature in individuals affected with CLPB-related conditions. Variants that disrupt the consensus splice site are a relatively common cause of aberrant splicing (PMID: 17576681, 9536098). Algorithms developed to predict the effect of sequence changes on RNA splicing suggest that this variant is not likely to affect RNA splicing. In summary, the available evidence is currently insufficient to determine the role of this variant in disease. Therefore, it has been classified as a Variant of Uncertain Significance.

Literature cited by the submitters: PubMed 17576681; PubMed 9536098.

NM_001258392.3(CLPB):c.1681-3C>T

Gene: CLPB (ClpB family mitochondrial disaggregase; minus strand). Cytogenetic location: 11q13.4.
Variant type: single nucleotide variant.
Coding change: c.1681-3C>T on transcript NM_001258392.3 (MANE Select); 3 bases into the intron before coding-DNA position 1681, C replaced by T.
Molecular consequence: intron variant.
Genome position (GRCh38, 1-based): chr11:72,294,129, G>A on the plus strand (C>T on the coding strand, the complement: CLPB is on the minus strand). VCF-style: chr11-72294129-G-A. GRCh37 (hg19) VCF-style: chr11-72005173-G-A.
Other names: c.1594-3C>T (NM_001258393.3); c.1771-3C>T (NM_030813.6); c.1636-3C>T (NM_001258394.3).
Identifiers: ClinVar variation 2900403 (VCV002900403.3), dbSNP rs374279497, ClinGen allele CA6171069.